The following is an entry in ClinVar:

NM_000444.6(PHEX):c.567dup (p.Thr190fs)

Gene: PHEX (phosphate regulating endopeptidase X-linked; plus strand). Cytogenetic location: Xp22.11.
Variant type: Duplication.
Coding change: c.567dup on transcript NM_000444.6 (MANE Select); coding-DNA position 567, one base duplicated (G; older notation c.567dupG).
Protein change: p.Thr190fs; shifts the reading frame from threonine 190.
Molecular consequence: frameshift variant.
Genome position (GRCh38, 1-based): chrX:22,077,606, G duplicated. VCF-style (leftmost placement, unchanged base first): chrX-22077605-A-AG. GRCh37 (hg19) VCF-style: chrX-22095723-A-AG.
Other names: c.567dup, p.Thr190fs (NM_001282754.2); short protein forms T190fs.
Identifiers: ClinVar variation 4713792 (VCV004713792.1).

ClinVar aggregate classification (germline): Pathogenic (1 of 4 stars; one submission).

Submission:

Labcorp Genetics (formerly Invitae), Labcorp
Classification: Pathogenic. Last evaluated: 2025-02-25. Review status: criteria provided, single submitter. Criteria: Invitae Variant Classification Sherloc (09022015). Collection method: clinical testing. Allele origin: germline.
Comment: This sequence change creates a premature translational stop signal (p.Thr190Aspfs*22) in the PHEX gene. It is expected to result in an absent or disrupted protein product. Loss-of-function variants in PHEX are known to be pathogenic (PMID: 9097956, 9106524, 19219621). This variant is not present in population databases (gnomAD no frequency). This variant has not been reported in the literature in individuals affected with PHEX-related conditions. For these reasons, this variant has been classified as Pathogenic.

Literature cited by the submitters: PubMed 9097956; PubMed 9106524; PubMed 19219621.